The following is an entry in ClinVar:

ClinVar aggregate classification (germline): Uncertain significance (1 of 4 stars; one submission).

Conditions:
Tuberous sclerosis 2 (TSC2). Identifiers: Orphanet 805, MedGen C1860707, MONDO:0013199, OMIM 613254.

Submission:

Labcorp Genetics (formerly Invitae), Labcorp
Classification: Uncertain significance for Tuberous sclerosis 2. Last evaluated: 2019-10-03. Review status: criteria provided, single submitter. Criteria: Invitae Variant Classification Sherloc (09022015). Collection method: clinical testing. Allele origin: germline.
Comment: This sequence change replaces valine with isoleucine at codon 142 of the TSC2 protein (p.Val142Ile). The valine residue is highly conserved and there is a small physicochemical difference between valine and isoleucine. This variant is not present in population databases (ExAC no frequency). This variant has not been reported in the literature in individuals with TSC2-related conditions. Algorithms developed to predict the effect of missense changes on protein structure and function are either unavailable or do not agree on the potential impact of this missense change (SIFT: "Tolerated"; PolyPhen-2: "Not Available"; Align-GVGD: "Class C0"). In summary, the available evidence is currently insufficient to determine the role of this variant in disease. Therefore, it has been classified as a Variant of Uncertain Significance.

NM_000548.5(TSC2):c.423_424delinsAA (p.Val142Ile)

Gene: TSC2 (TSC complex subunit 2; plus strand). Cytogenetic location: 16p13.3.
Variant type: Indel.
Coding change: c.423_424delinsAA on transcript NM_000548.5 (MANE Select); coding-DNA positions 423 to 424, GG replaced by AA.
Protein change: p.Val142Ile; replaces valine 142 with isoleucine.
Molecular consequence: missense variant. On other transcripts: intron variant (1).
Genome position (GRCh38, 1-based): chr16:2,054,382-2,054,383, GG replaced by AA. VCF-style: chr16-2054382-GG-AA. GRCh37 (hg19) VCF-style: chr16-2104383-GG-AA.
Other names: c.423_424delinsAA, p.Val142Ile (NM_001077183.3, NM_001114382.3, NM_001363528.2 and 3 more transcripts); c.312_313delinsAA, p.Val105Ile (NM_001318827.2); c.276_277delinsAA, p.Val93Ile (NM_001318829.2); c.456_457delinsAA, p.Val153Ile (NM_001318832.2); c.-1-1814_-1-1813delinsAA (NM_001318831.2); short protein forms V153I, V93I, V142I, V105I.
Identifiers: ClinVar variation 954501 (VCV000954501.8), dbSNP rs2085508858, ClinGen allele CA1139664328.
Genomic context (GRCh38, chr16:2,054,382, plus strand): 5'-CCTCTTCTTTAAGGTCATCAAGGATTACCCTTCCAACGAAGACCTTCACGAAAGGCTGGA[GG>AA]TTTTCAAGGCCCTCACAGACAATGGGAGACACATCACCTACTTGGAGGAAGAGCTGGGTG-3'
Protein context (NP_000539.2, residues 132-152): SNEDLHERLE[Val142Ile]FKALTDNGRH